The following is an entry in ClinVar:

NM_000038.6(APC):c.1611T>G (p.Ser537Arg)

Gene: APC (APC regulator of Wnt signaling pathway; plus strand). Cytogenetic location: 5q22.2.
Variant type: single nucleotide variant.
Coding change: c.1611T>G on transcript NM_000038.6 (MANE Select); coding-DNA position 1611, T replaced by G.
Protein change: p.Ser537Arg; replaces serine 537 with arginine.
Molecular consequence: missense variant.
Genome position (GRCh38, 1-based): chr5:112,827,991, T>G. VCF-style: chr5-112827991-T-G. GRCh37 (hg19) VCF-style: chr5-112163688-T-G.
Other names: c.1611T>G, p.Ser537Arg (NM_001127510.3, NM_001354895.2, NM_001407450.1); c.1557T>G, p.Ser519Arg (NM_001127511.3); c.1665T>G, p.Ser555Arg (NM_001354896.2, NM_001407447.1, NM_001407448.1 and 1 more transcripts); c.1641T>G, p.Ser547Arg (NM_001354897.2); c.1536T>G, p.Ser512Arg (NM_001354898.2); c.1527T>G, p.Ser509Arg (NM_001354899.2); c.1488T>G, p.Ser496Arg (NM_001354900.2); c.1434T>G, p.Ser478Arg (NM_001354901.2, NM_001407453.1); and 11 more; short protein forms S408R, S478R, S496R, S530R, S153R, S512R, S411R, S519R.
Identifiers: ClinVar variation 4998028 (VCV004998028.1).
Genomic context (GRCh38, chr5:112,827,991, plus strand): 5'-TACGCTATGCTCTATGAAAGGCTGCATGAGAGCACTTGTGGCCCAACTAAAATCTGAAAG[T>G]GAAGACTTACAGCAGGTACTATTTAGAATTTCACCTGTTTTTCTTTTTTCTCTTTTTCTT-3'
Protein context (NP_000029.2, residues 527-547): RALVAQLKSE[Ser537Arg]EDLQQVIASV

ClinVar aggregate classification (germline): Uncertain significance (1 of 4 stars; one submission).

Conditions:
APC-related disorder. Also called: APC-related condition.

Submission:

PreventionGenetics, part of Exact Sciences
Classification: Uncertain significance for APC-related condition. Last evaluated: 2024-11-08. Review status: criteria provided, single submitter. Criteria: ACMG Guidelines, 2015. Collection method: clinical testing. Allele origin: germline.
Comment: The APC c.1611T>G variant is predicted to result in the amino acid substitution p.Ser537Arg. To our knowledge, this variant has not been reported in the literature or in a large population database (gnomAD), indicating this variant is rare. This variant is also not reported in ClinVar. At this time, the clinical significance of this variant is uncertain due to the absence of conclusive functional and genetic evidence.